The following is an entry in ClinVar:

NM_004438.5(EPHA4):c.1916G>A (p.Arg639His)

Gene: EPHA4 (EPH receptor A4; minus strand). Cytogenetic location: 2q36.1.
Variant type: single nucleotide variant.
Coding change: c.1916G>A on transcript NM_004438.5 (MANE Select); coding-DNA position 1916, G replaced by A.
Protein change: p.Arg639His; replaces arginine 639 with histidine.
Molecular consequence: missense variant.
Genome position (GRCh38, 1-based): chr2:221,442,987, C>T on the plus strand (G>A on the coding strand, the complement: EPHA4 is on the minus strand). VCF-style: chr2-221442987-C-T. GRCh37 (hg19) VCF-style: chr2-222307707-C-T.
Other names: c.1916G>A (NM_004438.3); c.1916G>A, p.Arg639His (NM_001304536.2, NM_001363748.2); c.1763G>A, p.Arg588His (NM_001304537.2); short protein forms R588H, R639H.
Identifiers: ClinVar variation 1445823 (VCV001445823.7), dbSNP rs147566564, ClinGen allele CA2134893.
Genomic context (GRCh38, chr2:221,442,987, plus strand): 5'-TAACCAGCTTTCAGAGTCTTGATAGCCACACAGATCTCTCTCTTGCCAGGCACTTTGAGA[C>T]GCCCACTGCATACCTCACCAAATTCACCTTTGAGAGAGAAAAAGAATCTACGATGGACCA-3'
Protein context (NP_004429.1, residues 629-649): VGEFGEVCSG[Arg639His]LKVPGKREIC

ClinVar aggregate classification (germline): Uncertain significance. Review status: criteria provided, multiple submitters, no conflicts (2 of 4 stars). 2 submissions from 2 submitters: Uncertain significance (2). Last evaluated 2025-02-28.

Allele frequency attached by ClinVar (database versions not stated): gnomAD exomes 0.00001; ExAC 0.00002; gnomAD 0.00006; TOPMed 0.00010; ESP Exome Variant Server 0.00015.
gnomAD v4.1: 25 of 1,614,008 alleles (0.0015%); highest among the groups gnomAD compares: African/African-American, 0.011%; no homozygotes.

Submissions (2):

Ambry Genetics
Classification: Uncertain significance. Last evaluated: 2025-02-28. Review status: criteria provided, single submitter. Criteria: Ambry Variant Classification Scheme 2023. Collection method: clinical testing. Allele origin: germline.

Labcorp Genetics (formerly Invitae), Labcorp
Classification: Uncertain significance. Last evaluated: 2024-03-19. Review status: criteria provided, single submitter. Criteria: Invitae Variant Classification Sherloc (09022015). Collection method: clinical testing. Allele origin: germline.
Comment: This sequence change replaces arginine, which is basic and polar, with histidine, which is basic and polar, at codon 639 of the EPHA4 protein (p.Arg639His). This variant is present in population databases (rs147566564, gnomAD 0.008%). This variant has not been reported in the literature in individuals affected with EPHA4-related conditions. ClinVar contains an entry for this variant (Variation ID: 1445823). Advanced modeling of protein sequence and biophysical properties (such as structural, functional, and spatial information, amino acid conservation, physicochemical variation, residue mobility, and thermodynamic stability) performed at Invitae indicates that this missense variant is expected to disrupt EPHA4 protein function with a positive predictive value of 80%. In summary, the available evidence is currently insufficient to determine the role of this variant in disease. Therefore, it has been classified as a Variant of Uncertain Significance.